The following is an entry in ClinVar:

NM_002417.5(MKI67):c.1305G>A (p.Thr435=)

Gene: MKI67 (marker of proliferation Ki-67; minus strand). Cytogenetic location: 10q26.2.
Variant type: single nucleotide variant.
Coding change: c.1305G>A on transcript NM_002417.5 (MANE Select); coding-DNA position 1305, G replaced by A.
Protein change: p.Thr435=; no amino-acid change (threonine 435 retained).
Molecular consequence: synonymous variant. On other transcripts: intron variant (1).
Genome position (GRCh38, 1-based): chr10:128,115,103, C>T on the plus strand (G>A on the coding strand, the complement: MKI67 is on the minus strand). VCF-style: chr10-128115103-C-T. GRCh37 (hg19) VCF-style: chr10-129913367-C-T.
Other names: NC_000010.10:g.129913367C>T; c.400+1388G>A (NM_001145966.2).
Identifiers: ClinVar variation 2640969 (VCV002640969.25), dbSNP rs149807717, ClinGen allele CA5747513.

ClinVar aggregate classification (germline): Likely benign (1 of 4 stars; one submission).

Allele frequency attached by ClinVar (database versions not stated): ESP Exome Variant Server 0.00200; TOPMed 0.00209; gnomAD exomes 0.00215; gnomAD 0.00247; 1000 Genomes Project 30x 0.00297; 1000 Genomes Project 0.00319; ExAC 0.00339.
gnomAD v4.1: 3,494 of 1,614,058 alleles (0.22%); highest among the groups gnomAD compares: African/African-American, 0.36%; 7 homozygotes.

Submissions (3):

CeGaT Center for Human Genetics Tuebingen
Classification: Likely benign. Last evaluated: 2022-04-01. Review status: criteria provided, single submitter. Criteria: CeGaT Center For Human Genetics Tuebingen Variant Classification Criteria Version 2. Collection method: clinical testing. Allele origin: germline. Affected: yes. Observed: 1 variant allele.
Comment: MKI67: BP4, BP7

Dr. Peter K. Rogan Lab, Western University
No classification provided (evidence only). Condition: Cervical cancer. Review status: no classification provided. Collection method: in vitro. Allele origin: not applicable. Functional consequence: retained intron. Not counted in ClinVar's aggregate classification.

Dr. Peter K. Rogan Lab, Western University
No classification provided (evidence only). Condition: Gastric cancer. Review status: no classification provided. Collection method: in vitro. Allele origin: not applicable. Functional consequence: retained intron. Not counted in ClinVar's aggregate classification.